The following is an entry in ClinVar:

ClinVar aggregate classification (germline): Uncertain significance (1 of 4 stars; one submission).

Conditions:
Aortic aneurysm, familial thoracic 7 (AAT7). Also called: AORTIC DISSECTION, FAMILIAL, WITH OR WITHOUT AORTIC ANEURYSM. Identifiers: MedGen C3151077, MONDO:0013418, OMIM 613780.

Submission:

Labcorp Genetics (formerly Invitae), Labcorp
Classification: Uncertain significance for Aortic aneurysm, familial thoracic 7. Last evaluated: 2025-07-30. Review status: criteria provided, single submitter. Criteria: Invitae Variant Classification Sherloc (09022015). Collection method: clinical testing. Allele origin: germline.
Comment: This sequence change replaces valine, which is neutral and non-polar, with alanine, which is neutral and non-polar, at codon 96 of the MYLK protein (p.Val96Ala). This variant is not present in population databases (gnomAD no frequency). This variant has not been reported in the literature in individuals affected with MYLK-related conditions. Invitae Evidence Modeling of protein sequence and biophysical properties (such as structural, functional, and spatial information, amino acid conservation, physicochemical variation, residue mobility, and thermodynamic stability) indicates that this missense variant is not expected to disrupt MYLK protein function with a negative predictive value of 95%. In summary, the available evidence is currently insufficient to determine the role of this variant in disease. Therefore, it has been classified as a Variant of Uncertain Significance.

NM_053025.4(MYLK):c.287T>C (p.Val96Ala)

Gene: MYLK (myosin light chain kinase; minus strand). Cytogenetic location: 3q21.1.
Variant type: single nucleotide variant.
Coding change: c.287T>C on transcript NM_053025.4 (MANE Select); coding-DNA position 287, T replaced by C.
Protein change: p.Val96Ala; replaces valine 96 with alanine.
Molecular consequence: missense variant. On other transcripts: intron variant (1).
Genome position (GRCh38, 1-based): chr3:123,752,417, A>G on the plus strand (T>C on the coding strand, the complement: MYLK is on the minus strand). VCF-style: chr3-123752417-A-G. GRCh37 (hg19) VCF-style: chr3-123471264-A-G.
Other names: c.287T>C, p.Val96Ala (NM_053026.4, NM_053027.4, NM_053028.4); c.-155-12416T>C (NM_001321309.2); short protein forms V96A.
Identifiers: ClinVar variation 4811407 (VCV004811407.1).